The following is an entry in ClinVar:

NM_014996.4(PLCH1):c.1050G>A (p.Glu350=)

Gene: PLCH1 (phospholipase C eta 1; minus strand). Cytogenetic location: 3q25.31.
Variant type: single nucleotide variant.
Coding change: c.1050G>A on transcript NM_014996.4 (MANE Select); coding-DNA position 1050, G replaced by A.
Protein change: p.Glu350=; no amino-acid change (glutamic acid 350 retained).
Molecular consequence: synonymous variant.
Genome position (GRCh38, 1-based): chr3:155,564,934, C>T on the plus strand (G>A on the coding strand, the complement: PLCH1 is on the minus strand). VCF-style: chr3-155564934-C-T. GRCh37 (hg19) VCF-style: chr3-155282723-C-T.
Other names: c.1014G>A, p.Glu338= (NM_001130960.2, NM_001130961.2, NM_001349250.2); c.1050G>A, p.Glu350= (NM_001349251.2, NM_001349252.2).
Identifiers: ClinVar variation 4083755 (VCV004083755.8).
Genomic context (GRCh38, chr3:155,564,934, plus strand): 5'-GGTCACCCATACACACCGGAGCTCAGAAAAAGTGCACGTACCTTCCACACAGCGACAGCC[C>T]TCTTGCAGCACCCGTGCATACATATCCACTTTGGACTGAGAAAGGAGCTGGTCTCCAGTC-3'
Protein context (NP_055811.2, residues 340-360): KVDMYARVLQ[Glu350=]GCRCVEVDCW

ClinVar aggregate classification (germline): Likely benign (1 of 4 stars; one submission).

gnomAD v4.1: 910 of 1,613,574 alleles (0.056%); highest among the groups gnomAD compares: Non-Finnish European, 0.02%; 6 homozygotes.

Submission:

CeGaT Center for Human Genetics Tuebingen
Classification: Likely benign. Last evaluated: 2025-06-01. Review status: criteria provided, single submitter. Criteria: CeGaT Center For Human Genetics Tuebingen Variant Classification Criteria Version 2. Collection method: clinical testing. Allele origin: germline. Affected: yes. Observed: 1 variant allele.
Comment: PLCH1: BP4, BP7